The following is an entry in ClinVar:

ClinVar aggregate classification (germline): Conflicting classifications of pathogenicity. Review status: criteria provided, conflicting classifications (1 of 4 stars). 9 submissions from 9 submitters: Likely pathogenic (1); Uncertain significance (1); Likely benign (6). 1 of the submissions does not count toward it. Last evaluated 2026-03-01.

Conditions:
SCN11A-related disorder. Also called: SCN11A-related condition.
Inborn genetic diseases. Identifiers: MedGen C0950123, MeSH D030342.
Familial episodic pain syndrome with predominantly lower limb involvement. Also called: Episodic pain syndrome, familial, 3. Identifiers: Orphanet 391384, Orphanet 391392, MedGen C3809899, MONDO:0014247, OMIM 615552.
Hereditary sensory and autonomic neuropathy type 7. Also called: HSAN VII; Neuropathy, hereditary sensory and autonomic, type VII. Identifiers: Orphanet 391397, MedGen C3809882, MONDO:0014244, OMIM 615548.

Allele frequency attached by ClinVar (database versions not stated): 1000 Genomes Project 30x 0.00016; TOPMed 0.00019; 1000 Genomes Project 0.00020; gnomAD exomes 0.00033 and 0.00042; gnomAD 0.00045 and 0.00047; ExAC 0.00053; ESP Exome Variant Server 0.00062.
gnomAD v4.1: 545 of 1,600,900 alleles (0.034%); highest among the groups gnomAD compares: Non-Finnish European, 0.037%; no homozygotes.

Submissions (9):

CeGaT Center for Human Genetics Tuebingen
Classification: Likely benign. Last evaluated: 2026-03-01. Review status: criteria provided, single submitter. Criteria: CeGaT Center For Human Genetics Tuebingen Variant Classification Criteria Version 2. Collection method: clinical testing. Allele origin: germline. Affected: yes. Observed: 5 variant alleles.
Comment: SCN11A: BS1

Labcorp Genetics (formerly Invitae), Labcorp
Classification: Likely benign for Familial episodic pain syndrome with predominantly lower limb involvement; Hereditary sensory and autonomic neuropathy type 7. Last evaluated: 2026-01-06. Review status: criteria provided, single submitter. Criteria: Invitae Variant Classification Sherloc (09022015). Collection method: clinical testing. Allele origin: germline.

Women's Health and Genetics/Laboratory Corporation of America, LabCorp
Classification: Likely benign. Last evaluated: 2026-01-05. Review status: criteria provided, single submitter. Criteria: LabCorp Variant Classification Summary - May 2015. Collection method: clinical testing. Allele origin: germline.
Comment: Variant summary: SCN11A c.3473T>C (p.Leu1158Pro) results in a non-conservative amino acid change in the encoded protein sequence. Algorithms developed to predict the effect of missense changes on protein structure and function all suggest that this variant is likely to be disruptive. The variant allele was found at a frequency of 0.00042 in 250750 control chromosomes, predominantly at a frequency of 0.00063 within the Non-Finnish European subpopulation in the gnomAD database. The observed variant frequency within Non-Finnish European control individuals in the gnomAD database exceeds the estimated maximal expected allele frequency for disease-causing variants in SCN11A. c.3473T>C has been observed in two individuals affected with Familial episodic pain syndrome with predominantly lower limb involvement (Huang_2014). These report(s) do not provide unequivocal conclusions about association of the variant with Familial episodic pain syndrome with predominantly lower limb involvement. At least one publication reports experimental evidence evaluating an impact on protein function and shows that the variant results in gain-of function (Huang_2014). The following publication have been ascertained in the context of this evaluation (PMID: 24776970). ClinVar contains an entry for this variant (Variation ID: 157599). Based on the evidence outlined above, the variant was classified as likely benign.

PreventionGenetics, part of Exact Sciences
Classification: Likely benign for SCN11A-related condition. Last evaluated: 2025-08-15. Review status: criteria provided, single submitter. Criteria: ACMG Guidelines, 2015. Collection method: clinical testing. Allele origin: germline.
Comment: This variant is classified as likely benign based on ACMG/AMP sequence variant interpretation guidelines (Richards et al. 2015 PMID: 25741868, with internal and published modifications).

Mayo Clinic Laboratories, Mayo Clinic
Classification: Likely benign. Last evaluated: 2023-11-14. Review status: criteria provided, single submitter. Criteria: ACMG Guidelines, 2015. Collection method: clinical testing. Allele origin: germline. Observed: 3 variant alleles.
Comment: BS1, BS2

Ambry Genetics
Classification: Likely benign for Inborn genetic diseases. Last evaluated: 2023-08-23. Review status: criteria provided, single submitter. Criteria: Ambry Variant Classification Scheme 2023. Collection method: clinical testing. Allele origin: germline.

Clinical Genetics and Genomics, Karolinska University Hospital
Classification: Likely pathogenic. Last evaluated: 2016-06-27. Review status: criteria provided, single submitter. Criteria: ACMG Guidelines, 2015. Collection method: clinical testing. Allele origin: germline. Affected: yes. Observed: 2 variant alleles.

Eurofins Ntd Llc (ga)
Classification: Uncertain significance. Last evaluated: 2016-04-21. Review status: criteria provided, single submitter. Criteria: EGL Classification Definitions 2015. Collection method: clinical testing. Allele origin: germline. Observed: 1 variant allele, 1 heterozygote.

OMIM
Classification: Pathogenic for EPISODIC PAIN SYNDROME, FAMILIAL, 3. Last evaluated: 2014-06-01. Review status: no assertion criteria provided. Collection method: literature only. Allele origin: germline. Not counted in ClinVar's aggregate classification.

Literature cited by the submitters: PubMed 24776970 (cited by Women's Health and Genetics/Laboratory Corporation of America, LabCorp and OMIM); PubMed 37175987 (cited by Mayo Clinic Laboratories, Mayo Clinic).

NM_001349253.2(SCN11A):c.3473T>C (p.Leu1158Pro)

Gene: SCN11A (sodium voltage-gated channel alpha subunit 11; minus strand). Cytogenetic location: 3p22.2.
Variant type: single nucleotide variant.
Coding change: c.3473T>C on transcript NM_001349253.2 (MANE Select); coding-DNA position 3473, T replaced by C.
Protein change: p.Leu1158Pro; replaces leucine 1158 with proline.
Molecular consequence: missense variant.
Genome position (GRCh38, 1-based): chr3:38,872,215, A>G on the plus strand (T>C on the coding strand, the complement: SCN11A is on the minus strand). VCF-style: chr3-38872215-A-G. GRCh37 (hg19) VCF-style: chr3-38913706-A-G.
Other names: c.3473T>C, p.Leu1158Pro (NM_014139.3); short protein forms L1158P.
Identifiers: ClinVar variation 157599 (VCV000157599.45), dbSNP rs141686175, ClinGen allele CA171012.
Genomic context (GRCh38, chr3:38,872,215, plus strand): 5'-GTTAACTGAACTTCTACCCATTCTTCTGCAGAATGTACCTTCATTCCTTCAAACTGGGAC[A>G]GCGCACGAAGAGGCCTCAGTGCTCGTAGAGTCCGGAAGGACTTCAATTCCATTAAGTTAA-3'
Protein context (NP_001336182.1, residues 1148-1168): TLRALRPLRA[Leu1158Pro]SQFEGMKVVV